The following is an entry in ClinVar:

ClinVar aggregate classification (germline): Uncertain significance. Review status: criteria provided, multiple submitters, no conflicts (2 of 4 stars). 2 submissions from 2 submitters: Uncertain significance (2). Last evaluated 2026-07-26.

Conditions:
Cardiovascular phenotype. Identifiers: MedGen CN230736.

gnomAD v4.1: 2 of 1,613,226 alleles (0.00012%); highest among the groups gnomAD compares: Non-Finnish European, 0.00017%; no homozygotes.

Submissions (2):

Ambry Genetics
Classification: Uncertain significance for Cardiovascular phenotype. Last evaluated: 2026-07-26. Review status: criteria provided, single submitter. Criteria: Ambry Variant Classification Scheme 2023. Collection method: clinical testing. Allele origin: germline.
Comment: The p.A62G variant (also known as c.185C>G), located in coding exon 2 of the SOS1 gene, results from a C to G substitution at nucleotide position 185. The alanine at codon 62 is replaced by glycine, an amino acid with similar properties. This amino acid position is conserved. In addition, the in silico prediction for this alteration is inconclusive. Based on the available evidence, the clinical significance of this variant remains unclear.

Blueprint Genetics
Classification: Uncertain significance. Last evaluated: 2019-10-02. Review status: criteria provided, single submitter. Criteria: ACMG Guidelines, 2015. Collection method: clinical testing. Allele origin: germline.

NM_005633.4(SOS1):c.185C>G (p.Ala62Gly)

Gene: SOS1 (SOS Ras/Rac guanine nucleotide exchange factor 1; minus strand). Cytogenetic location: 2p22.1.
Variant type: single nucleotide variant.
Coding change: c.185C>G on transcript NM_005633.4 (MANE Select); coding-DNA position 185, C replaced by G.
Protein change: p.Ala62Gly; replaces alanine 62 with glycine.
Molecular consequence: missense variant.
Genome position (GRCh38, 1-based): chr2:39,067,656, G>C on the plus strand (C>G on the coding strand, the complement: SOS1 is on the minus strand). VCF-style: chr2-39067656-G-C. GRCh37 (hg19) VCF-style: chr2-39294797-G-C.
Other names: c.164C>G, p.Ala55Gly (NM_001382394.1); c.185C>G, p.Ala62Gly (NM_001382395.1); short protein forms A55G, A62G.
Identifiers: ClinVar variation 4954733 (VCV004954733.2).